The following is an entry in ClinVar:

NM_014423.4(AFF4):c.2637+4A>G

Gene: AFF4 (ALF transcription elongation factor 4; minus strand). Cytogenetic location: 5q31.1.
Variant type: single nucleotide variant.
Coding change: c.2637+4A>G on transcript NM_014423.4 (MANE Select); 4 bases into the intron after coding-DNA position 2637, A replaced by G.
Molecular consequence: intron variant.
Genome position (GRCh38, 1-based): chr5:132,892,160, T>C on the plus strand (A>G on the coding strand, the complement: AFF4 is on the minus strand). VCF-style: chr5-132892160-T-C. GRCh37 (hg19) VCF-style: chr5-132227852-T-C.
Identifiers: ClinVar variation 3710627 (VCV003710627.2).

ClinVar aggregate classification (germline): Uncertain significance (1 of 4 stars; one submission).

Conditions:
Cognitive impairment - coarse facies - heart defects - obesity - pulmonary involvement - short stature - skeletal dysplasia syndrome. Also called: COGNITIVE IMPAIRMENT, COARSE FACIES, HEART DEFECTS, OBESITY, PULMONARY INVOLVEMENT, SHORT STATURE, AND SKELETAL DYSPLASIA; Chops syndrome; AFF4-Related CHOPS Syndrome. Identifiers: Orphanet 444077, MedGen C4085597, MONDO:0014609, OMIM 616368.

gnomAD v4.1: 7 of 1,614,152 alleles (0.00043%); highest among the groups gnomAD compares: Non-Finnish European, 0.00059%; no homozygotes.

Submission:

Labcorp Genetics (formerly Invitae), Labcorp
Classification: Uncertain significance for Cognitive impairment - coarse facies - heart defects - obesity - pulmonary involvement - short stature - skeletal dysplasia syndrome. Last evaluated: 2024-03-26. Review status: criteria provided, single submitter. Criteria: Invitae Variant Classification Sherloc (09022015). Collection method: clinical testing. Allele origin: germline.
Comment: This sequence change falls in intron 13 of the AFF4 gene. It does not directly change the encoded amino acid sequence of the AFF4 protein. It affects a nucleotide within the consensus splice site. This variant is not present in population databases (gnomAD no frequency). This variant has not been reported in the literature in individuals affected with AFF4-related conditions. Variants that disrupt the consensus splice site are a relatively common cause of aberrant splicing (PMID: 17576681, 9536098). Algorithms developed to predict the effect of sequence changes on RNA splicing suggest that this variant is not likely to affect RNA splicing. In summary, the available evidence is currently insufficient to determine the role of this variant in disease. Therefore, it has been classified as a Variant of Uncertain Significance.

Literature cited by the submitters: PubMed 17576681; PubMed 9536098.